The following is an entry in ClinVar:

ClinVar aggregate classification (germline): Uncertain significance (1 of 4 stars; one submission).

gnomAD v4.1: 1 of 1,612,980 alleles (0.000062%); highest among the groups gnomAD compares: Non-Finnish European, 0.000085%; no homozygotes.

Submission:

Ambry Genetics
Classification: Uncertain significance. Last evaluated: 2025-01-17. Review status: criteria provided, single submitter. Criteria: Ambry Variant Classification Scheme 2023. Collection method: clinical testing. Allele origin: germline.
Comment: The p.R203C variant (also known as c.607C>T), located in coding exon 1 of the WNK2 gene, results from a C to T substitution at nucleotide position 607. The arginine at codon 203 is replaced by cysteine, an amino acid with highly dissimilar properties. This amino acid position is conserved. In addition, the in silico prediction for this alteration is inconclusive. Based on the available evidence, the clinical significance of this variant remains unclear.

NM_006648.4(WNK2):c.607C>T (p.Arg203Cys)

Gene: WNK2 (WNK lysine deficient protein kinase 2; plus strand). Cytogenetic location: 9q22.31.
Variant type: single nucleotide variant.
Coding change: c.607C>T on transcript NM_006648.4 (MANE Select); coding-DNA position 607, C replaced by T.
Protein change: p.Arg203Cys; replaces arginine 203 with cysteine.
Molecular consequence: missense variant.
Genome position (GRCh38, 1-based): chr9:93,185,536, C>T. VCF-style: chr9-93185536-C-T. GRCh37 (hg19) VCF-style: chr9-95947818-C-T.
Other names: c.607C>T, p.Arg203Cys (NM_001282394.3); short protein forms R203C.
Identifiers: ClinVar variation 3816867 (VCV003816867.1).
Genomic context (GRCh38, chr9:93,185,536, plus strand): 5'-CTCAAGGCCGTGGCCACCTCTCTGGACGGCCGCTTCCTCAAGTTCGACATCGAGCTGGGC[C>T]GCGGTTCCTTCAAGACGGTCTACAAGGGGCTGGACACGGAGACCTGGGTGGAGGTGGCCT-3'
Protein context (NP_006639.3, residues 193-213): RFLKFDIELG[Arg203Cys]GSFKTVYKGL